The following is an entry in ClinVar:

NM_014679.5(CEP57):c.1239C>G (p.Asn413Lys)

Gene: CEP57 (centrosomal protein 57; plus strand). Cytogenetic location: 11q21.
Variant type: single nucleotide variant.
Coding change: c.1239C>G on transcript NM_014679.5 (MANE Select); coding-DNA position 1239, C replaced by G.
Protein change: p.Asn413Lys; replaces asparagine 413 with lysine.
Molecular consequence: missense variant.
Genome position (GRCh38, 1-based): chr11:95,829,298, C>G. VCF-style: chr11-95829298-C-G. GRCh37 (hg19) VCF-style: chr11-95562462-C-G.
Other names: c.1212C>G, p.Asn404Lys (NM_001243776.2); c.1161C>G, p.Asn387Lys (NM_001243777.2); c.1158C>G, p.Asn386Lys (NM_001363604.2, NM_001440869.1, NM_001440870.1); c.1131C>G, p.Asn377Lys (NM_001440871.1); c.1122C>G, p.Asn374Lys (NM_001440872.1); c.1059C>G, p.Asn353Lys (NM_001440873.1); c.1053C>G, p.Asn351Lys (NM_001440874.1); c.1050C>G, p.Asn350Lys (NM_001440875.1); and 6 more; short protein forms N326K, N374K, N386K, N413K, N348K, N387K, N338K, N347K.
Identifiers: ClinVar variation 4226395 (VCV004226395.1).

ClinVar aggregate classification (germline): Uncertain significance (1 of 4 stars; one submission).

Conditions:
Inborn genetic diseases. Identifiers: MedGen C0950123, MeSH D030342.

gnomAD v4.1: 2 of 1,613,752 alleles (0.00012%); highest among the groups gnomAD compares: Non-Finnish European, 0.00017%; no homozygotes.

Submission:

Ambry Genetics
Classification: Uncertain significance for Inborn genetic diseases. Last evaluated: 2025-08-31. Review status: criteria provided, single submitter. Criteria: Ambry Variant Classification Scheme 2023. Collection method: clinical testing. Allele origin: germline.
Comment: The p.N413K variant (also known as c.1239C>G), located in coding exon 10 of the CEP57 gene, results from a C to G substitution at nucleotide position 1239. The asparagine at codon 413 is replaced by lysine, an amino acid with similar properties. This amino acid position is conserved. In addition, this alteration is predicted to be tolerated by in silico analysis. Based on the available evidence, the clinical significance of this variant remains unclear.